The following is an entry in ClinVar:

ClinVar aggregate classification (germline): Uncertain significance (1 of 4 stars; one submission).

Submission:

Labcorp Genetics (formerly Invitae), Labcorp
Classification: Uncertain significance. Last evaluated: 2022-07-19. Review status: criteria provided, single submitter. Criteria: Invitae Variant Classification Sherloc (09022015). Collection method: clinical testing. Allele origin: germline.
Comment: This sequence change replaces isoleucine, which is neutral and non-polar, with serine, which is neutral and polar, at codon 357 of the EYS protein (p.Ile357Ser). This variant is not present in population databases (gnomAD no frequency). This variant has not been reported in the literature in individuals affected with EYS-related conditions. ClinVar contains an entry for this variant (Variation ID: 1003290). Algorithms developed to predict the effect of missense changes on protein structure and function are either unavailable or do not agree on the potential impact of this missense change (SIFT: "Deleterious"; PolyPhen-2: "Benign"; Align-GVGD: "Class C35"). Algorithms developed to predict the effect of sequence changes on RNA splicing suggest that this variant may create or strengthen a splice site. In summary, the available evidence is currently insufficient to determine the role of this variant in disease. Therefore, it has been classified as a Variant of Uncertain Significance.

NM_001142800.2(EYS):c.1070T>G (p.Ile357Ser)

Gene: EYS (eyes shut homolog; minus strand). Cytogenetic location: 6q12.
Variant type: single nucleotide variant.
Coding change: c.1070T>G on transcript NM_001142800.2 (MANE Select); coding-DNA position 1070, T replaced by G.
Protein change: p.Ile357Ser; replaces isoleucine 357 with serine.
Molecular consequence: missense variant.
Genome position (GRCh38, 1-based): chr6:65,402,592, A>C on the plus strand (T>G on the coding strand, the complement: EYS is on the minus strand). VCF-style: chr6-65402592-A-C. GRCh37 (hg19) VCF-style: chr6-66112485-A-C.
Other names: c.1070T>G, p.Ile357Ser (NM_001142801.2, NM_001292009.2, NM_198283.2); short protein forms I357S.
Identifiers: ClinVar variation 1003290 (VCV001003290.6), dbSNP rs1766556502, ClinGen allele CA364662500.